The following is an entry in ClinVar:

ClinVar aggregate classification (germline): Benign. Review status: criteria provided, multiple submitters, no conflicts (2 of 4 stars). 3 submissions from 3 submitters: Benign (3). Last evaluated 2021-05-06.

Conditions:
Acral peeling skin syndrome. Also called: Peeling skin syndrome 2. Identifiers: Orphanet 263534, MedGen C1853354, MONDO:0012345, OMIM 609796.

Allele frequency attached by ClinVar (database versions not stated): gnomAD exomes 0.00430 and 0.01201; ExAC 0.01412; gnomAD 0.03634 and 0.03866; ESP Exome Variant Server 0.03922; TOPMed 0.04134; 1000 Genomes Project 0.04213; 1000 Genomes Project 30x 0.04466.
gnomAD v4.1: 12,308 of 1,614,122 alleles (0.76%); highest among the groups gnomAD compares: African/African-American, 12%; 632 homozygotes.

Submissions (3):

GeneDx
Classification: Benign. Last evaluated: 2021-05-06. Review status: criteria provided, single submitter. Criteria: GeneDx Variant Classification Process June 2021. Collection method: clinical testing. Allele origin: germline. Affected: yes.

Illumina Laboratory Services, Illumina
Classification: Benign for Acral peeling skin syndrome. Last evaluated: 2018-01-13. Review status: criteria provided, single submitter. Criteria: ICSL Variant Classification Criteria 13 December 2019. Collection method: clinical testing. Allele origin: germline.
Comment: This variant was observed in the ICSL laboratory as part of a predisposition screen in an ostensibly healthy population. It had not been previously curated by ICSL or reported in the Human Gene Mutation Database (HGMD: prior to June 1st, 2018), and was therefore a candidate for classification through an automated scoring system. Utilizing variant allele frequency, disease prevalence and penetrance estimates, and inheritance mode, an automated score was calculated to assess if this variant is too frequent to cause the disease. Based on the score and internal cut-off values, a variant classified as benign is not then subjected to further curation. The score for this variant resulted in a classification of benign for this disease.

Breakthrough Genomics
Classification: Benign. Review status: criteria provided, single submitter. Criteria: ACMG Guidelines, 2015. Collection method: not provided. Allele origin: germline. Inheritance: Autosomal recessive inheritance. Affected: yes.

NM_201631.4(TGM5):c.960C>T (p.Asn320=)

Gene: TGM5 (transglutaminase 5; minus strand). Cytogenetic location: 15q15.2.
Variant type: single nucleotide variant.
Coding change: c.960C>T on transcript NM_201631.4 (MANE Select); coding-DNA position 960, C replaced by T.
Protein change: p.Asn320=; no amino-acid change (asparagine 320 retained).
Molecular consequence: synonymous variant.
Genome position (GRCh38, 1-based): chr15:43,240,893, G>A on the plus strand (C>T on the coding strand, the complement: TGM5 is on the minus strand). VCF-style: chr15-43240893-G-A. GRCh37 (hg19) VCF-style: chr15-43533091-G-A.
Other names: c.714C>T, p.Asn238= (NM_004245.4).
Identifiers: ClinVar variation 316052 (VCV000316052.7), dbSNP rs34222269, ClinGen allele CA7521138.
Genomic context (GRCh38, chr15:43,240,893, plus strand): 5'-TTGAGAGGTTGTTTCTCACCAGATAGTATCCTTCTTCTTATTCCCCAAAATCCTGCCTGT[G>A]TTGTCATAATACTCATCTATGATCAGGTTTCCATCTGTATCGTGGCCAGAGTCGAAGTTG-3'
Protein context (NP_963925.2, residues 310-330): GNLIIDEYYD[Asn320=]TGRILGNKKK